The following is an entry in ClinVar:

ClinVar aggregate classification (germline): Uncertain significance (1 of 4 stars; one submission).

Conditions:
Ataxia-telangiectasia syndrome (AT). Also called: AT, COMPLEMENTATION GROUP C; Ataxia telangiectasia (A-T); LOUIS-BAR SYNDROME; Cerebello-oculocutaneous telangiectasia; Immunodeficiency with ataxia telangiectasia; Ataxia-telangiectasia, complementation group D. Identifiers: Orphanet 100, MedGen C0004135, MONDO:0008840, OMIM 208900.

Allele frequency attached by ClinVar (database versions not stated): gnomAD exomes below 0.00001.
gnomAD v4.1: 2 of 1,614,092 alleles (0.00012%); highest among the groups gnomAD compares: Non-Finnish European, 0.00017%; no homozygotes.

Submission:

Labcorp Genetics (formerly Invitae), Labcorp
Classification: Uncertain significance for Ataxia-telangiectasia syndrome. Last evaluated: 2022-07-29. Review status: criteria provided, single submitter. Criteria: Invitae Variant Classification Sherloc (09022015). Collection method: clinical testing. Allele origin: germline.
Comment: Advanced modeling of protein sequence and biophysical properties (such as structural, functional, and spatial information, amino acid conservation, physicochemical variation, residue mobility, and thermodynamic stability) performed at Invitae indicates that this missense variant is not expected to disrupt ATM protein function. This variant has not been reported in the literature in individuals affected with ATM-related conditions. This variant is not present in population databases (gnomAD no frequency). This sequence change replaces glycine, which is neutral and non-polar, with alanine, which is neutral and non-polar, at codon 509 of the ATM protein (p.Gly509Ala). In summary, the available evidence is currently insufficient to determine the role of this variant in disease. Therefore, it has been classified as a Variant of Uncertain Significance.

NM_000051.4(ATM):c.1526G>C (p.Gly509Ala)

Gene: ATM (ATM serine/threonine kinase; plus strand). Cytogenetic location: 11q22.3.
Variant type: single nucleotide variant.
Coding change: c.1526G>C on transcript NM_000051.4 (MANE Select); coding-DNA position 1526, G replaced by C.
Protein change: p.Gly509Ala; replaces glycine 509 with alanine.
Molecular consequence: missense variant.
Genome position (GRCh38, 1-based): chr11:108,250,991, G>C. VCF-style: chr11-108250991-G-C. GRCh37 (hg19) VCF-style: chr11-108121718-G-C.
Other names: c.1526G>C, p.Gly509Ala (NM_001351834.2); short protein forms G509A.
Identifiers: ClinVar variation 2160395 (VCV002160395.4), dbSNP rs1591524556, ClinGen allele CA382534287.
Genomic context (GRCh38, chr11:108,250,991, plus strand): 5'-GTATTACCTTTCGTGGTATAAGTTCTGAGCAAATACAAGCTGAAAACTTTGGCTTACTTG[G>C]AGCCATAATTCAGGGTAGTTTAGTTGAGGTTGACAGAGAATTCTGGAAGTTATTTACTGG-3'
Protein context (NP_000042.3, residues 499-519): QIQAENFGLL[Gly509Ala]AIIQGSLVEV